The following is an entry in ClinVar:

ClinVar aggregate classification (germline): Conflicting classifications of pathogenicity. Review status: criteria provided, conflicting classifications (1 of 4 stars). 3 submissions from 3 submitters: Uncertain significance (2); Likely benign (1). Last evaluated 2024-10-22.

Conditions:
Neurodevelopmental disorder with cataracts, poor growth, and dysmorphic facies. Identifiers: MedGen C5231414, MONDO:0032817, OMIM 618571.
Inborn genetic diseases. Identifiers: MedGen C0950123, MeSH D030342.

Allele frequency attached by ClinVar (database versions not stated): 1000 Genomes Project 30x 0.00016; 1000 Genomes Project 0.00020; ExAC 0.00019; ESP Exome Variant Server 0.00032.
gnomAD v4.1: 294 of 1,612,760 alleles (0.018%); highest among the groups gnomAD compares: Middle Eastern, 0.049%; no homozygotes.

Submissions (3):

Ambry Genetics
Classification: Uncertain significance for Inborn genetic diseases. Last evaluated: 2024-10-22. Review status: criteria provided, single submitter. Criteria: Ambry Variant Classification Scheme 2023. Collection method: clinical testing. Allele origin: germline.

3billion
Classification: Likely benign for Neurodevelopmental disorder with cataracts, poor growth, and dysmorphic facies. Last evaluated: 2024-09-20. Review status: criteria provided, single submitter. Criteria: ACMG Guidelines, 2015. Collection method: clinical testing. Allele origin: germline. Affected: no.
Comment: The homozygous variant was found in patients diagnosed with another variant in a different gene, with no symptoms related to the gene containing the homozygous variant.

GeneDx
Classification: Uncertain significance. Last evaluated: 2023-12-01. Review status: criteria provided, single submitter. Criteria: GeneDx Variant Classification Process June 2021. Collection method: clinical testing. Allele origin: germline. Affected: yes.
Comment: In silico analysis supports that this missense variant does not alter protein structure/function; Has not been previously published as pathogenic or benign to our knowledge

NM_001080453.3(INTS1):c.3011G>C (p.Arg1004Pro)

Gene: INTS1 (integrator complex subunit 1; minus strand). Cytogenetic location: 7p22.3.
Variant type: single nucleotide variant.
Coding change: c.3011G>C on transcript NM_001080453.3 (MANE Select); coding-DNA position 3011, G replaced by C.
Protein change: p.Arg1004Pro; replaces arginine 1004 with proline.
Molecular consequence: missense variant.
Genome position (GRCh38, 1-based): chr7:1,485,435, C>G on the plus strand (G>C on the coding strand, the complement: INTS1 is on the minus strand). VCF-style: chr7-1485435-C-G. GRCh37 (hg19) VCF-style: chr7-1525071-C-G.
Other names: short protein forms R1004P.
Identifiers: ClinVar variation 1687712 (VCV001687712.5), dbSNP rs200828819, ClinGen allele CA4119506.